The following is an entry in ClinVar:

ClinVar aggregate classification (germline): Pathogenic (1 of 4 stars; one submission).

Conditions:
Leber congenital amaurosis 1 (LCA1). Also called: RETINAL BLINDNESS, CONGENITAL; Congenital absence of the rods and cones; Leber's congenital tapetoretinal degeneration; Leber's congenital tapetoretinal dysplasia; AMAUROSIS CONGENITA OF LEBER I. Identifiers: Orphanet 65, MedGen C2931258, MONDO:0008764, OMIM 204000.
Cone-rod dystrophy 6 (CORD6). Also called: RETINAL CONE DYSTROPHY 2; Cone dystrophy progressive. Identifiers: Orphanet 1872, MedGen C1866293, MONDO:0011143, OMIM 601777.

Submission:

Labcorp Genetics (formerly Invitae), Labcorp
Classification: Pathogenic for Leber congenital amaurosis 1; Cone-rod dystrophy 6. Last evaluated: 2023-08-05. Review status: criteria provided, single submitter. Criteria: Invitae Variant Classification Sherloc (09022015). Collection method: clinical testing. Allele origin: germline.
Comment: This variant is not present in population databases (gnomAD no frequency). This premature translational stop signal has been observed in individual(s) with Leber congenital amaurosis (PMID: 26047050). For these reasons, this variant has been classified as Pathogenic. This sequence change creates a premature translational stop signal (p.Ser374Glyfs*74) in the GUCY2D gene. It is expected to result in an absent or disrupted protein product. Loss-of-function variants in GUCY2D are known to be pathogenic (PMID: 10951519, 11328726).

Literature cited by the submitters: PubMed 26047050; PubMed 10951519; PubMed 11328726.

NM_000180.4(GUCY2D):c.1116_1119dup (p.Ser374fs)

Gene: GUCY2D (guanylate cyclase 2D, retinal; plus strand). Cytogenetic location: 17p13.1.
Variant type: Duplication.
Coding change: c.1116_1119dup on transcript NM_000180.4 (MANE Select); coding-DNA positions 1116 to 1119, 4 bases duplicated (GGTG; older notation c.1116_1119dupGGTG).
Protein change: p.Ser374fs; shifts the reading frame from serine 374.
Molecular consequence: frameshift variant.
Genome position (GRCh38, 1-based): chr17:8,006,452-8,006,455, GGTG duplicated; duplicating any 4 consecutive bases within chr17:8,006,450-8,006,455 gives the same sequence; the c. name uses the placement nearest the transcript's 3' end. VCF-style (leftmost placement, unchanged base first): chr17-8006449-A-ATGGG. GRCh37 (hg19) VCF-style: chr17-7909767-A-ATGGG.
Other names: short protein forms S374fs.
Identifiers: ClinVar variation 2925602 (VCV002925602.3), dbSNP rs2545420192, ClinGen allele CA2695224297.